The following is an entry in ClinVar:

NM_006514.4(SCN10A):c.1846A>T (p.Ile616Phe)

Gene: SCN10A (sodium voltage-gated channel alpha subunit 10; minus strand). Cytogenetic location: 3p22.2.
Variant type: single nucleotide variant.
Coding change: c.1846A>T on transcript NM_006514.4 (MANE Select); coding-DNA position 1846, A replaced by T.
Protein change: p.Ile616Phe; replaces isoleucine 616 with phenylalanine.
Molecular consequence: missense variant.
Genome position (GRCh38, 1-based): chr3:38,750,094, T>A on the plus strand (A>T on the coding strand, the complement: SCN10A is on the minus strand). VCF-style: chr3-38750094-T-A. GRCh37 (hg19) VCF-style: chr3-38791585-T-A.
Other names: c.1846A>T, p.Ile616Phe (NM_001293306.2); c.1552A>T, p.Ile518Phe (NM_001293307.2); short protein forms I518F, I616F.
Identifiers: ClinVar variation 4713145 (VCV004713145.1).
Genomic context (GRCh38, chr3:38,750,094, plus strand): 5'-ATGACACAGTGGATGAACAATGCAGTGAGCAGCACTTACCCTCAAGGACGGAGGTTATGA[T>A]ACTGACAACACTCATTGCCCTTTGGGCCCGGAAAGGTTCATCTAAGTATTCTGCTGACAA-3'
Protein context (NP_006505.4, residues 606-626): RAQRAMSVVS[Ile616Phe]ITSVLEELEE

ClinVar aggregate classification (germline): Uncertain significance (1 of 4 stars; one submission).

Conditions:
Brugada syndrome. Also called: Sudden unexplained nocturnal death syndrome; Sudden unexpected nocturnal death syndrome; Sudden Unexplained Death Syndrome; Sudden Unexplained Nocturnal Death Syndrome (SUNDS). Identifiers: Orphanet 130, MedGen C1142166, MONDO:0015263.

Submission:

Labcorp Genetics (formerly Invitae), Labcorp
Classification: Uncertain significance for Brugada syndrome. Last evaluated: 2025-12-13. Review status: criteria provided, single submitter. Criteria: Invitae Variant Classification Sherloc (09022015). Collection method: clinical testing. Allele origin: germline.
Comment: This sequence change replaces isoleucine, which is neutral and non-polar, with phenylalanine, which is neutral and non-polar, at codon 616 of the SCN10A protein (p.Ile616Phe). This variant is not present in population databases (gnomAD no frequency). This variant has not been reported in the literature in individuals affected with SCN10A-related conditions. Invitae Evidence Modeling of protein sequence and biophysical properties (such as structural, functional, and spatial information, amino acid conservation, physicochemical variation, residue mobility, and thermodynamic stability) indicates that this missense variant is not expected to disrupt SCN10A protein function with a negative predictive value of 80%. In summary, the available evidence is currently insufficient to determine the role of this variant in disease. Therefore, it has been classified as a Variant of Uncertain Significance.